The following is an entry in ClinVar:

NM_201384.3(PLEC):c.8491C>T (p.Arg2831Trp)

Gene: PLEC (plectin; minus strand). Cytogenetic location: 8q24.3.
Variant type: single nucleotide variant.
Coding change: c.8491C>T on transcript NM_201384.3 (MANE Select); coding-DNA position 8491, C replaced by T.
Protein change: p.Arg2831Trp; replaces arginine 2831 with tryptophan.
Molecular consequence: missense variant.
Genome position (GRCh38, 1-based): chr8:143,921,330, G>A on the plus strand (C>T on the coding strand, the complement: PLEC is on the minus strand). VCF-style: chr8-143921330-G-A. GRCh37 (hg19) VCF-style: chr8-144995498-G-A.
Other names: c.8572C>T, p.Arg2858Trp (NM_000445.5); c.8449C>T, p.Arg2817Trp (NM_201378.4); c.8425C>T, p.Arg2809Trp (NM_201379.3); c.8902C>T, p.Arg2968Trp (NM_201380.4); c.8395C>T, p.Arg2799Trp (NM_201381.3); c.8491C>T, p.Arg2831Trp (NM_201382.4); c.8503C>T, p.Arg2835Trp (NM_201383.3); short protein forms R2799W, R2809W, R2817W, R2831W, R2835W, R2858W, R2968W.
Identifiers: ClinVar variation 1008201 (VCV001008201.6), dbSNP rs781797258, ClinGen allele CA4925291.

ClinVar aggregate classification (germline): Uncertain significance. Review status: criteria provided, multiple submitters, no conflicts (2 of 4 stars). 2 submissions from 2 submitters: Uncertain significance (2). Last evaluated 2023-10-17.

Conditions:
Epidermolysis bullosa simplex 5B, with muscular dystrophy (EBS5B). Also called: Epidermolysis bullosa simplex with muscular dystrophy; EPIDERMOLYSIS BULLOSA SIMPLEX AND LIMB-GIRDLE MUSCULAR DYSTROPHY. Identifiers: Orphanet 257, MedGen C2931072, MONDO:0009181, OMIM 226670.
Epidermolysis bullosa simplex, Ogna type (EBS5A). Also called: Pidermolysis bullosa simplex 5A, Ogna type; EPIDERMOLYSIS BULLOSA SIMPLEX 5A, OGNA TYPE. Identifiers: Orphanet 79401, MedGen C0432317, MONDO:0007555, OMIM 131950.
Epidermolysis bullosa simplex 5C, with pyloric atresia (EBS5C). Also called: PLEC-Related Epidermolysis Bullosa with Pyloric Atresia; Epidermolysis bullosa simplex with pyloric atresia; PLEC1-Related Epidermolysis Bullosa with Pyloric Atresia. Identifiers: Orphanet 158684, MedGen C2677349, MONDO:0012807, OMIM 612138.
Autosomal recessive limb-girdle muscular dystrophy type 2Q (LGMDR17). Also called: MUSCULAR DYSTROPHY, LIMB-GIRDLE, AUTOSOMAL RECESSIVE 17. Identifiers: Orphanet 254361, MedGen C3150989, MONDO:0013390, OMIM 613723.
Epidermolysis bullosa simplex with nail dystrophy (EBS5D). Identifiers: MedGen C4225309, MONDO:0014661, OMIM 616487.

Allele frequency attached by ClinVar (database versions not stated): ExAC 0.00001; gnomAD 0.00001; gnomAD exomes 0.00001; TOPMed 0.00003.
gnomAD v4.1: 20 of 1,613,714 alleles (0.0012%); highest among the groups gnomAD compares: South Asian, 0.0022%; no homozygotes.

Submissions (2):

Revvity Omics, Revvity
Classification: Uncertain significance. Last evaluated: 2023-10-17. Review status: criteria provided, single submitter. Criteria: ACMG Guidelines, 2015. Collection method: clinical testing. Allele origin: germline.

Labcorp Genetics (formerly Invitae), Labcorp
Classification: Uncertain significance for Autosomal recessive limb-girdle muscular dystrophy type 2Q; Epidermolysis bullosa simplex, Ogna type; Epidermolysis bullosa simplex with nail dystrophy; Epidermolysis bullosa simplex 5C, with pyloric atresia; Epidermolysis bullosa simplex 5B, with muscular dystrophy. Last evaluated: 2022-10-17. Review status: criteria provided, single submitter. Criteria: Invitae Variant Classification Sherloc (09022015). Collection method: clinical testing. Allele origin: germline.
Comment: In summary, the available evidence is currently insufficient to determine the role of this variant in disease. Therefore, it has been classified as a Variant of Uncertain Significance. Algorithms developed to predict the effect of missense changes on protein structure and function are either unavailable or do not agree on the potential impact of this missense change (SIFT: "Deleterious"; PolyPhen-2: "Probably Damaging"; Align-GVGD: "Class C15"). ClinVar contains an entry for this variant (Variation ID: 1008201). This variant has not been reported in the literature in individuals affected with PLEC-related conditions. This variant is present in population databases (rs781797258, gnomAD 0.003%). This sequence change replaces arginine, which is basic and polar, with tryptophan, which is neutral and slightly polar, at codon 2858 of the PLEC protein (p.Arg2858Trp).